The following is an entry in ClinVar:

ClinVar aggregate classification (germline): Likely pathogenic (1 of 4 stars; one submission).

Conditions:
Vertebral, cardiac, renal, and limb defects syndrome 2. Also called: KYNURENINASE DEFICIENCY, COMPLETE; CONGENITAL NAD DEFICIENCY DISORDER 2. Identifiers: MedGen C4540014, MONDO:0060555, OMIM 617661.
Hydroxykynureninuria. Also called: Encephalopathy due to hydroxykynureninuria; Xanthurenic aciduria; Kynureninase deficiency. Identifiers: Orphanet 79155, MedGen C0268474, MONDO:0009372, OMIM 236800.

gnomAD v4.1: 8 of 1,587,728 alleles (0.0005%); highest among the groups gnomAD compares: East Asian, 0.011%; no homozygotes.

Submission:

First Genomix Gene Laboratory, Genetic Diagnostics Department
Classification: Likely pathogenic for Hydroxykynureninuria; Vertebral, cardiac, renal, and limb defects syndrome 2. Last evaluated: 2025-09-09. Review status: criteria provided, single submitter. Criteria: ACMG Guidelines, 2015. Collection method: clinical testing. Allele origin: germline. Inheritance: Autosomal recessive inheritance. Affected: no. Observed: 1 variant allele.

NM_003937.3(KYNU):c.1272+1G>T

Gene: KYNU (kynureninase; plus strand). Cytogenetic location: 2q22.2.
Variant type: single nucleotide variant.
Coding change: c.1272+1G>T on transcript NM_003937.3 (MANE Select); the canonical splice donor site of the intron after coding-DNA position 1272, G replaced by T.
Molecular consequence: splice donor variant.
Genome position (GRCh38, 1-based): chr2:143,040,659, G>T. VCF-style: chr2-143040659-G-T. GRCh37 (hg19) VCF-style: chr2-143798228-G-T.
Other names: c.1272+1G>T (NM_001199241.2).
Identifiers: ClinVar variation 4850294 (VCV004850294.1).